The following is an entry in ClinVar:

NM_001329943.3(KIAA0586):c.202T>A (p.Ser68Thr)

Gene: KIAA0586 (KIAA0586; plus strand). Cytogenetic location: 14q23.1.
Variant type: single nucleotide variant.
Coding change: c.202T>A on transcript NM_001329943.3 (MANE Select); coding-DNA position 202, T replaced by A.
Protein change: p.Ser68Thr; replaces serine 68 with threonine.
Molecular consequence: missense variant. On other transcripts: 5 prime UTR variant (5).
Genome position (GRCh38, 1-based): chr14:58,429,365, T>A. VCF-style: chr14-58429365-T-A. GRCh37 (hg19) VCF-style: chr14-58896083-T-A.
Other names: c.238T>A, p.Ser80Thr (NM_001244189.2); c.157T>A, p.Ser53Thr (NM_001244190.2); c.-54T>A (NM_001244191.2, NM_001244192.2, NM_001329945.2 and 2 more transcripts); c.202T>A, p.Ser68Thr (NM_001329944.2, NM_001329946.2, NM_001329947.2 and 1 more transcripts); short protein forms S80T, S68T, S53T.
Identifiers: ClinVar variation 475443 (VCV000475443.39), dbSNP rs147119902, ClinGen allele CA7205299.

ClinVar aggregate classification (germline): Benign/Likely benign. Review status: criteria provided, multiple submitters, no conflicts (2 of 4 stars). 5 submissions from 5 submitters: Benign (3); Likely benign (2). Last evaluated 2026-08-01.

Conditions:
Short-rib thoracic dysplasia 14 with polydactyly (SRTD14). Identifiers: Orphanet 397715, MedGen C4225286, MONDO:0014688, OMIM 616546.
Joubert syndrome 23 (JBTS23). Identifiers: Orphanet 475, MedGen C4084822, MONDO:0014664, OMIM 616490.

Allele frequency attached by ClinVar (database versions not stated): gnomAD 0.00026 and 0.00076; TOPMed 0.00050; gnomAD exomes 0.00087 and 0.00185; ExAC 0.00194; 1000 Genomes Project 0.00499; 1000 Genomes Project 30x 0.00500.
gnomAD v4.1: 1,400 of 1,575,674 alleles (0.089%); highest among the groups gnomAD compares: East Asian, 1.1%; 12 homozygotes.

Submissions (11):

CeGaT Center for Human Genetics Tuebingen
Classification: Likely benign. Last evaluated: 2026-08-01. Review status: criteria provided, single submitter. Criteria: CeGaT Center For Human Genetics Tuebingen Variant Classification Criteria Version 2. Collection method: clinical testing. Allele origin: germline. Affected: yes. Observed: 3 variant alleles.
Comment: KIAA0586: BP4

Labcorp Genetics (formerly Invitae), Labcorp
Classification: Benign for Joubert syndrome 23; Short-rib thoracic dysplasia 14 with polydactyly. Last evaluated: 2026-01-12. Review status: criteria provided, single submitter. Criteria: Invitae Variant Classification Sherloc (09022015). Collection method: clinical testing. Allele origin: germline.

Blueprint Genetics
Classification: Likely benign. Last evaluated: 2024-11-13. Review status: criteria provided, single submitter. Criteria: ACMG Guidelines, 2015. Collection method: clinical testing. Allele origin: germline.

GeneDx
Classification: Benign. Last evaluated: 2020-04-08. Review status: criteria provided, single submitter. Criteria: GeneDx Variant Classification Process June 2021. Collection method: clinical testing. Allele origin: germline. Affected: yes.
Comment: This variant is associated with the following publications: (PMID: 30993914)

Breakthrough Genomics
Classification: Benign. Review status: criteria provided, single submitter. Criteria: ACMG Guidelines, 2015. Collection method: not provided. Allele origin: germline. Inheritance: Autosomal recessive inheritance. Affected: yes.

Dr. Peter K. Rogan Lab, Western University
No classification provided (evidence only). Condition: Familial cancer of breast. Review status: no classification provided. Collection method: in vitro. Allele origin: not applicable. Functional consequence: retained intron. Not counted in ClinVar's aggregate classification.

Dr. Peter K. Rogan Lab, Western University
No classification provided (evidence only). Condition: Thyroid cancer, nonmedullary, 1. Review status: no classification provided. Collection method: in vitro. Allele origin: not applicable. Functional consequence: skipped exon. Not counted in ClinVar's aggregate classification.

Dr. Peter K. Rogan Lab, Western University
No classification provided (evidence only). Condition: Malignant lymphoma, large B-cell, diffuse. Review status: no classification provided. Collection method: in vitro. Allele origin: not applicable. Functional consequence: retained intron. Not counted in ClinVar's aggregate classification.

Dr. Peter K. Rogan Lab, Western University
No classification provided (evidence only). Condition: Malignant lymphoma, large B-cell, diffuse. Review status: no classification provided. Collection method: in vitro. Allele origin: not applicable. Functional consequence: retained intron. Not counted in ClinVar's aggregate classification.

Dr. Peter K. Rogan Lab, Western University
No classification provided (evidence only). Condition: Hepatocellular carcinoma. Review status: no classification provided. Collection method: in vitro. Allele origin: not applicable. Functional consequence: retained intron. Not counted in ClinVar's aggregate classification.

Dr. Peter K. Rogan Lab, Western University
No classification provided (evidence only). Condition: Gastric cancer. Review status: no classification provided. Collection method: in vitro. Allele origin: not applicable. Functional consequence: retained intron. Not counted in ClinVar's aggregate classification.